The following is an entry in ClinVar:

NM_021620.4(PRDM13):c.1196C>A (p.Ala399Glu)

Gene: PRDM13 (PR/SET domain 13; plus strand). Cytogenetic location: 6q16.2.
Variant type: single nucleotide variant.
Coding change: c.1196C>A on transcript NM_021620.4 (MANE Select); coding-DNA position 1196, C replaced by A.
Protein change: p.Ala399Glu; replaces alanine 399 with glutamic acid.
Molecular consequence: missense variant.
Genome position (GRCh38, 1-based): chr6:99,613,831, C>A. VCF-style: chr6-99613831-C-A. GRCh37 (hg19) VCF-style: chr6-100061707-C-A.
Other names: short protein forms A399E.
Identifiers: ClinVar variation 2133743 (VCV002133743.4), dbSNP rs1401085116, ClinGen allele CA365117904.

ClinVar aggregate classification (germline): Uncertain significance (1 of 4 stars; one submission).

Submission:

Labcorp Genetics (formerly Invitae), Labcorp
Classification: Uncertain significance. Last evaluated: 2023-08-10. Review status: criteria provided, single submitter. Criteria: Invitae Variant Classification Sherloc (09022015). Collection method: clinical testing. Allele origin: germline.
Comment: In summary, the available evidence is currently insufficient to determine the role of this variant in disease. Therefore, it has been classified as a Variant of Uncertain Significance. An algorithm developed to predict the effect of missense changes on protein structure and function (PolyPhen-2) suggests that this variant is likely to be disruptive. ClinVar contains an entry for this variant (Variation ID: 2133743). This variant has not been reported in the literature in individuals affected with PRDM13-related conditions. This variant is not present in population databases (gnomAD no frequency). This sequence change replaces alanine, which is neutral and non-polar, with glutamic acid, which is acidic and polar, at codon 399 of the PRDM13 protein (p.Ala399Glu).